The following is an entry in ClinVar:

NM_001077653.2:c.(?_-1)_(890+1_891-1)del

Gene: TBX20 (T-box transcription factor 20; minus strand).
Variant type: Deletion.
Other names: c.(?_-1)_(890+1_891-1)del (NM_001077653.2).
Identifiers: ClinVar variation 3256716 (VCV003256716.1).

ClinVar aggregate classification (germline): Uncertain significance (1 of 4 stars; one submission).

Conditions:
Atrial septal defect 4 (ASD4). Identifiers: Orphanet 1478, MedGen C1969657, MONDO:0012654, OMIM 611363.

Submission:

Clinical Genomics Laboratory, Stanford Medicine
Classification: Uncertain significance for Atrial septal defect 4. Last evaluated: 2021-09-02. Review status: criteria provided, single submitter. Criteria: ACMG Guidelines, 2015. Collection method: clinical testing. Allele origin: germline. Affected: yes. Observed: 1 heterozygote.
Comment: This deletion includes exons 1-6 of the TBX20 gene. The breakpoints of this event extend beyond the interrogated TBX20 region, and at least one additional RefSeq gene is included in the deletion. Overlapping and similar-sized deletions involving the TBX20 gene have not been previously reported in association with disease. Overlapping and similar-sized deletions involving the TBX20 gene are not present in population databases, including the Genome Aggregation Database and the Database of Genomic Variants. This deletion removes 6 out of 8 exons of the TBX20 gene and is expected to result in a truncated or absent protein product. Loss of function is currently not a definitively established mechanism of disease; however, data from the Genome Aggregation Database suggests that this gene is intolerant to loss of function variation (pLI=0.97), and functional evidence including animal models and expression studies have implicated loss of TBX20 expression in the development of cardiac disease (Stennard et al., 2005; Kennedy et al., 2017). These data were assessed using the ACMG/ClinGen copy number variant interpretation guidelines. In summary, because of the TBX20 gene's limited disease association and because loss-of-function is not a definitively established mechanism of disease, the significance of the TBX20 exons 1-6 deletion is uncertain. Additional information is needed to resolve the significance of this variant.